The following is an entry in ClinVar:

ClinVar aggregate classification (germline): Uncertain significance. Review status: criteria provided, multiple submitters, no conflicts (2 of 4 stars). 2 submissions from 2 submitters: Uncertain significance (2). Last evaluated 2022-04-28.

Conditions:
Episodic ataxia type 2 (EA2). Also called: ATAXIA, EPISODIC, WITH NYSTAGMUS; ATAXIA, FAMILIAL PAROXYSMAL; CEREBELLAR ATAXIA, PAROXYSMAL, ACETAZOLAMIDE-RESPONSIVE; CEREBELLOPATHY, HEREDITARY PAROXYSMAL; ACETAZOLAMIDE-RESPONSIVE HEREDITARY PAROXYSMAL CEREBELLAR ATAXIA; EPISODIC ATAXIA, NYSTAGMUS-ASSOCIATED. Identifiers: Orphanet 97, MedGen C1720416, MONDO:0007163, OMIM 108500.
Developmental and epileptic encephalopathy, 42 (DEE42A). Also called: DEVELOPMENTAL AND EPILEPTIC ENCEPHALOPATHY 42A; EPILEPTIC ENCEPHALOPATHY, EARLY INFANTILE, 42A; Epileptic encephalopathy, early infantile, 42. Identifiers: MedGen C4310716, MONDO:0014917, OMIM 617106.

Allele frequency attached by ClinVar (database versions not stated): gnomAD 0.00001; TOPMed 0.00001; ESP Exome Variant Server 0.00008; gnomAD exomes below 0.00001.
gnomAD v4.1: 5 of 1,613,832 alleles (0.00031%); highest among the groups gnomAD compares: Non-Finnish European, 0.00042%; no homozygotes.

Submissions (2):

Labcorp Genetics (formerly Invitae), Labcorp
Classification: Uncertain significance for Developmental and epileptic encephalopathy, 42; Episodic ataxia type 2. Last evaluated: 2022-04-28. Review status: criteria provided, single submitter. Criteria: Invitae Variant Classification Sherloc (09022015). Collection method: clinical testing. Allele origin: germline.
Comment: This sequence change replaces isoleucine, which is neutral and non-polar, with threonine, which is neutral and polar, at codon 153 of the CACNA1A protein (p.Ile153Thr). ClinVar contains an entry for this variant (Variation ID: 386980). This variant has not been reported in the literature in individuals affected with CACNA1A-related conditions. This variant is not present in population databases (gnomAD no frequency). Advanced modeling of protein sequence and biophysical properties (such as structural, functional, and spatial information, amino acid conservation, physicochemical variation, residue mobility, and thermodynamic stability) performed at Invitae indicates that this missense variant is expected to disrupt CACNA1A protein function. In summary, the available evidence is currently insufficient to determine the role of this variant in disease. Therefore, it has been classified as a Variant of Uncertain Significance.

GeneDx
Classification: Uncertain significance. Last evaluated: 2016-06-19. Review status: criteria provided, single submitter. Criteria: GeneDx Variant Classification (06012015). Collection method: clinical testing. Allele origin: germline. Affected: yes.
Comment: A variant of uncertain significance has been identified in the CACNA1A gene. The I153T variant has not been published as a pathogenic variant, nor has it been reported as a benign variant to our knowledge. The I153T variant was not observed with any significant frequency in approximately 6,200 individuals of European and African American ancestry in the NHLBI Exome Sequencing Project. The I153T variant is a non-conservative amino acid substitution, which is likely to impact secondary protein structure as these residues differ in polarity, charge, size and/or other properties. This substitution occurs at a position where amino acids with similar properties to Isoleucine are tolerated across species. In silico analysis is inconsistent in its predictions as to whether or not the variant is damaging to the protein structure/function. Therefore, based on the currently available information, it is unclear whether this variant is a pathogenic variant or a rare benign variant.

NM_001127222.2(CACNA1A):c.458T>C (p.Ile153Thr)

Gene: CACNA1A (calcium voltage-gated channel subunit alpha1 A; minus strand). Cytogenetic location: 19p13.13.
Variant type: single nucleotide variant.
Coding change: c.458T>C on transcript NM_001127222.2 (MANE Select); coding-DNA position 458, T replaced by C.
Protein change: p.Ile153Thr; replaces isoleucine 153 with threonine.
Molecular consequence: missense variant.
Genome position (GRCh38, 1-based): chr19:13,452,957, A>G on the plus strand (T>C on the coding strand, the complement: CACNA1A is on the minus strand). VCF-style: chr19-13452957-A-G. GRCh37 (hg19) VCF-style: chr19-13563771-A-G.
Other names: c.458T>C, p.Ile153Thr (NM_000068.4, NM_001127221.2, NM_001174080.2 and 1 more transcripts); short protein forms I153T.
Identifiers: ClinVar variation 386980 (VCV000386980.7), dbSNP rs369134549, ClinGen allele CA16608964.